The following is an entry in ClinVar:

ClinVar aggregate classification (germline): Likely benign (1 of 4 stars; one submission).

Allele frequency attached by ClinVar (database versions not stated): gnomAD 0.02637 and 0.02789.
gnomAD v4.1: 1,334 of 47,546 alleles (2.8%); highest among the groups gnomAD compares: Middle Eastern, 9.5%; 316 homozygotes.

Submission:

GeneDx
Classification: Likely benign. Last evaluated: 2018-06-14. Review status: criteria provided, single submitter. Criteria: GeneDx Variant Classification (06012015). Collection method: clinical testing. Allele origin: germline. Affected: yes.
Comment: This variant is considered likely benign or benign based on one or more of the following criteria: it is a conservative change, it occurs at a poorly conserved position in the protein, it is predicted to be benign by multiple in silico algorithms, and/or has population frequency not consistent with disease.

NM_003119.4(SPG7):c.1324+3865G>C

Gene: SPG7 (SPG7 matrix AAA peptidase subunit, paraplegin; plus strand). Cytogenetic location: 16q24.3.
Variant type: single nucleotide variant.
Coding change: c.1324+3865G>C on transcript NM_003119.4 (MANE Select); 3865 bases into the intron after coding-DNA position 1324, G replaced by C.
Molecular consequence: intron variant.
Genome position (GRCh38, 1-based): chr16:89,536,501, G>C. VCF-style: chr16-89536501-G-C. GRCh37 (hg19) VCF-style: chr16-89602909-G-C.
Other names: c.1324+3865G>C (NM_001363850.1); c.1325-264G>C (NM_199367.3).
Identifiers: ClinVar variation 671458 (VCV000671458.1), dbSNP rs1302734900, ClinGen allele CA624244798.